The following is an entry in ClinVar:

ClinVar aggregate classification (germline): Benign. Review status: criteria provided, multiple submitters, no conflicts (2 of 4 stars). 3 submissions from 3 submitters: Benign (3). Last evaluated 2026-09-01.

Allele frequency attached by ClinVar (database versions not stated): gnomAD exomes 0.00153 and 0.00374; ExAC 0.00434; 1000 Genomes Project 0.01378; ESP Exome Variant Server 0.01397; gnomAD 0.01409 and 0.01534; 1000 Genomes Project 30x 0.01515; TOPMed 0.01616.
gnomAD v4.1: 4,495 of 1,610,780 alleles (0.28%); highest among the groups gnomAD compares: African/African-American, 5%; 120 homozygotes.

Submissions (3):

CeGaT Center for Human Genetics Tuebingen
Classification: Benign. Last evaluated: 2026-09-01. Review status: criteria provided, single submitter. Criteria: CeGaT Center For Human Genetics Tuebingen Variant Classification Criteria Version 2. Collection method: clinical testing. Allele origin: germline. Affected: yes. Observed: 4 variant alleles.
Comment: CTNNA2: BS1, BS2

Labcorp Genetics (formerly Invitae), Labcorp
Classification: Benign. Last evaluated: 2019-12-31. Review status: criteria provided, single submitter. Criteria: Invitae Variant Classification Sherloc (09022015). Collection method: clinical testing. Allele origin: germline.

Breakthrough Genomics
Classification: Benign. Review status: criteria provided, single submitter. Criteria: ACMG Guidelines, 2015. Collection method: not provided. Allele origin: germline. Inheritance: Autosomal recessive inheritance. Affected: yes.

NM_001282597.3(CTNNA2):c.1091T>C (p.Ile364Thr)

Gene: CTNNA2 (catenin alpha 2; plus strand). Cytogenetic location: 2p12.
Variant type: single nucleotide variant.
Coding change: c.1091T>C on transcript NM_001282597.3 (MANE Select); coding-DNA position 1091, T replaced by C.
Protein change: p.Ile364Thr; replaces isoleucine 364 with threonine.
Molecular consequence: missense variant. On other transcripts: 5 prime UTR variant (2).
Genome position (GRCh38, 1-based): chr2:80,393,245, T>C. VCF-style: chr2-80393245-T-C. GRCh37 (hg19) VCF-style: chr2-80620370-T-C.
Other names: c.1091T>C, p.Ile364Thr (NM_001164883.2, NM_004389.4); c.1193T>C, p.Ile398Thr (NM_001282598.2); c.128T>C, p.Ile43Thr (NM_001282599.2); c.-14T>C (NM_001282600.2, NM_001320810.2); short protein forms I364T, I43T, I398T.
Identifiers: ClinVar variation 775738 (VCV000775738.23), dbSNP rs61754542, ClinGen allele CA1735535.